The following is an entry in ClinVar:

ClinVar aggregate classification (germline): Uncertain significance (1 of 4 stars; one submission).

Conditions:
Van Maldergem syndrome 2 (VMLDS2). Identifiers: Orphanet 314679, MedGen C3809875, MONDO:0014242, OMIM 615546.

Allele frequency attached by ClinVar (database versions not stated): gnomAD exomes below 0.00001.
gnomAD v4.1: 1 of 1,613,962 alleles (0.000062%); highest among the groups gnomAD compares: Non-Finnish European, 0.000085%; no homozygotes.

Submission:

Victorian Clinical Genetics Services, Murdoch Childrens Research Institute
Classification: Uncertain significance for Van Maldergem syndrome 2. Last evaluated: 2020-05-21. Review status: criteria provided, single submitter. Criteria: ACMG Guidelines, 2015. Collection method: clinical testing. Allele origin: germline. Inheritance: Autosomal recessive inheritance. Affected: yes.
Comment: Based on the classification scheme VCGS_Germline_v1.1.1, this variant is classified as 3B-VUS. Following criteria are met: 0102 - Loss-of-function is a known mechanism of disease for this gene. (N) 0106 - This gene is known to be associated with autosomal recessive disease. (N) 0200 - Variant is predicted to result in a missense amino acid change from phenylalanine to leucine (exon 1). (N) 0251 - Variant is heterozygous. (N) 0301 - Variant is absent from gnomAD. (P) 0502 - Missense variant with conflicting in silico predictions. (N) 0600 - Variant is located in an annotated domain or motif (cadherin domain; PDB, NCBI). (N) 0705 - No comparable variants have previous evidence for pathogenicity. (N) 0807 - Variant has not previously been reported in a clinical context. (N) 0905 - No segregation evidence has been identified for this variant. (N) 1007 - No published functional evidence has been identified for this variant. (N) 1208 - Inheritance information for this variant is not currently available. (N) Legend: (P) - Pathogenic, (N) - Neutral, (B) - Benign

NM_001291303.3(FAT4):c.1219T>C (p.Phe407Leu)

Gene: FAT4 (FAT atypical cadherin 4; plus strand). Cytogenetic location: 4q28.1.
Variant type: single nucleotide variant.
Coding change: c.1219T>C on transcript NM_001291303.3 (MANE Select); coding-DNA position 1219, T replaced by C.
Protein change: p.Phe407Leu; replaces phenylalanine 407 with leucine.
Molecular consequence: missense variant.
Genome position (GRCh38, 1-based): chr4:125,317,630, T>C. VCF-style: chr4-125317630-T-C. GRCh37 (hg19) VCF-style: chr4-126238785-T-C.
Other names: c.1219T>C, p.Phe407Leu (NM_001291285.3, NM_024582.6); short protein forms F407L.
Identifiers: ClinVar variation 1805552 (VCV001805552.1), dbSNP rs2530426074, ClinGen allele CA358117444.